The following is an entry in ClinVar:

NM_031407.7(HUWE1):c.2150G>A (p.Arg717Lys)

Gene: HUWE1 (HECT, UBA and WWE domain containing E3 ubiquitin protein ligase 1; minus strand). Cytogenetic location: Xp11.22.
Variant type: single nucleotide variant.
Coding change: c.2150G>A on transcript NM_031407.7 (MANE Select); coding-DNA position 2150, G replaced by A.
Protein change: p.Arg717Lys; replaces arginine 717 with lysine.
Molecular consequence: missense variant.
Genome position (GRCh38, 1-based): chrX:53,614,645, C>T on the plus strand (G>A on the coding strand, the complement: HUWE1 is on the minus strand). VCF-style: chrX-53614645-C-T. GRCh37 (hg19) VCF-style: chrX-53641606-C-T.
Other names: short protein forms R717K.
Identifiers: ClinVar variation 3036807 (VCV003036807.2), dbSNP rs2527365111, ClinGen allele CA413145082.
Genomic context (GRCh38, chrX:53,614,645, plus strand): 5'-GCCTGTACTTCCTCTTCCTCCTCATCCTCACTAGAGGCTTCTTCTGCGGCATGATTAGAC[C>T]TTGGGGGAGGAGCAGTGGCAGTGCCATCTGCCTTCTGGATTGATGGCTTCTGACAGATGT-3'
Protein context (NP_113584.3, residues 707-727): ADGTATAPPP[Arg717Lys]SNHAAEEASS

ClinVar aggregate classification (germline): Uncertain significance (0 of 4 stars; one submission).

Conditions:
HUWE1-related disorder. Also called: HUWE1-related condition.

Submission:

PreventionGenetics, part of Exact Sciences
Classification: Uncertain significance for HUWE1-related condition. Last evaluated: 2023-12-13. Review status: no assertion criteria provided. Collection method: clinical testing. Allele origin: germline.
Comment: The HUWE1 c.2150G>A variant is predicted to result in the amino acid substitution p.Arg717Lys. To our knowledge, this variant has not been reported in the literature or in a large population database, indicating this variant is rare. At this time, the clinical significance of this variant is uncertain due to the absence of conclusive functional and genetic evidence.